The following is an entry in ClinVar:

NM_006206.6(PDGFRA):c.2021C>T (p.Thr674Ile)

Gene: PDGFRA (platelet derived growth factor receptor alpha; plus strand). Cytogenetic location: 4q12.
Variant type: single nucleotide variant.
Coding change: c.2021C>T on transcript NM_006206.6 (MANE Select); coding-DNA position 2021, C replaced by T.
Protein change: p.Thr674Ile; replaces threonine 674 with isoleucine.
Molecular consequence: missense variant.
Genome position (GRCh38, 1-based): chr4:54,278,380, C>T. VCF-style: chr4-54278380-C-T. GRCh37 (hg19) VCF-style: chr4-55144547-C-T.
Other names: c.2021C>T, p.Thr674Ile (NM_001347827.2, NM_001347829.2); c.2096C>T, p.Thr699Ile (NM_001347828.2); c.2060C>T, p.Thr687Ile (NM_001347830.2); c.2021C>T (NM_006206.4); short protein forms T674I, T687I, T699I.
Identifiers: ClinVar variation 13550 (VCV000013550.5), dbSNP rs121908587, ClinGen allele CA123215.

ClinVar aggregate classification (germline): Uncertain significance. Review status: criteria provided, multiple submitters, no conflicts (2 of 4 stars). 3 submissions from 3 submitters: Uncertain significance (2). 1 of the submissions does not count toward it. Last evaluated 2025-07-31.

Conditions:
Hereditary cancer-predisposing syndrome. Also called: Neoplastic Syndromes, Hereditary; Tumor predisposition; Hereditary neoplastic syndrome; Hereditary Cancer Syndrome. Identifiers: Orphanet 140162, MedGen C0027672, MeSH D009386, MONDO:0015356.
Gastrointestinal stromal tumor. Also called: Gastrointestinal stromal tumor, somatic; Gastrointestinal stroma tumor. Identifiers: Orphanet 44890, MedGen C0238198, MeSH D046152, MONDO:0011719, OMIM 606764, HP:0100723.
Hypereosinophilic syndrome, idiopathic, resistant to imatinib. Identifiers: MedGen C4016331.

gnomAD v4.1: 2 of 1,613,648 alleles (0.00012%); highest among the groups gnomAD compares: Non-Finnish European, 0.00017%; no homozygotes.

Submissions (3):

Ambry Genetics
Classification: Uncertain significance for Hereditary cancer-predisposing syndrome. Last evaluated: 2025-07-31. Review status: criteria provided, single submitter. Criteria: Ambry Variant Classification Scheme 2023. Collection method: clinical testing. Allele origin: germline.
Comment: The p.T674I variant (also known as c.2021C>T), located in coding exon 14 of the PDGFRA gene, results from a C to T substitution at nucleotide position 2021. The threonine at codon 674 is replaced by isoleucine, an amino acid with similar properties. This amino acid position is highly conserved in available vertebrate species. In addition, this alteration is predicted to be deleterious by in silico analysis. Based on the available evidence, the clinical significance of this variant remains unclear.

Labcorp Genetics (formerly Invitae), Labcorp
Classification: Uncertain significance for Gastrointestinal stromal tumor. Last evaluated: 2024-04-30. Review status: criteria provided, single submitter. Criteria: Invitae Variant Classification Sherloc (09022015). Collection method: clinical testing. Allele origin: germline.
Comment: This sequence change replaces threonine, which is neutral and polar, with isoleucine, which is neutral and non-polar, at codon 674 of the PDGFRA protein (p.Thr674Ile). This variant is not present in population databases (gnomAD no frequency). This variant has not been reported in the literature in individuals affected with PDGFRA-related conditions. ClinVar contains an entry for this variant (Variation ID: 13550). Advanced modeling of protein sequence and biophysical properties (such as structural, functional, and spatial information, amino acid conservation, physicochemical variation, residue mobility, and thermodynamic stability) has been performed at Invitae for this missense variant, however the output from this modeling did not meet the statistical confidence thresholds required to predict the impact of this variant on PDGFRA protein function. In summary, the available evidence is currently insufficient to determine the role of this variant in disease. Therefore, it has been classified as a Variant of Uncertain Significance.

OMIM
Classification: Pathogenic for HYPEREOSINOPHILIC SYNDROME, IDIOPATHIC, RESISTANT TO IMATINIB. Last evaluated: 2003-03-27. Review status: no assertion criteria provided. Collection method: literature only. Allele origin: germline. Not counted in ClinVar's aggregate classification.

Literature cited by the submitters: PubMed 12660384 (cited by OMIM).